The following is an entry in ClinVar:

ClinVar aggregate classification (germline): Uncertain significance (1 of 4 stars; one submission).

Submission:

Labcorp Genetics (formerly Invitae), Labcorp
Classification: Uncertain significance. Last evaluated: 2023-08-04. Review status: criteria provided, single submitter. Criteria: Invitae Variant Classification Sherloc (09022015). Collection method: clinical testing. Allele origin: germline.
Comment: In summary, the available evidence is currently insufficient to determine the role of this variant in disease. Therefore, it has been classified as a Variant of Uncertain Significance. Advanced modeling of protein sequence and biophysical properties (such as structural, functional, and spatial information, amino acid conservation, physicochemical variation, residue mobility, and thermodynamic stability) performed at Invitae indicates that this missense variant is expected to disrupt MCM2 protein function. ClinVar contains an entry for this variant (Variation ID: 1717601). This variant has not been reported in the literature in individuals affected with MCM2-related conditions. This variant is not present in population databases (gnomAD no frequency). This sequence change replaces methionine, which is neutral and non-polar, with valine, which is neutral and non-polar, at codon 604 of the MCM2 protein (p.Met604Val).

NM_004526.4(MCM2):c.1810A>G (p.Met604Val)

Gene: MCM2 (minichromosome maintenance complex component 2; plus strand). Cytogenetic location: 3q21.3.
Variant type: single nucleotide variant.
Coding change: c.1810A>G on transcript NM_004526.4 (MANE Select); coding-DNA position 1810, A replaced by G.
Protein change: p.Met604Val; replaces methionine 604 with valine.
Molecular consequence: missense variant. On other transcripts: non-coding transcript variant (1).
Genome position (GRCh38, 1-based): chr3:127,617,315, A>G. VCF-style: chr3-127617315-A-G. GRCh37 (hg19) VCF-style: chr3-127336158-A-G.
Other names: short protein forms M604V.
Identifiers: ClinVar variation 1717601 (VCV001717601.5), dbSNP rs2473301071, ClinGen allele CA354390969.